The following is an entry in ClinVar:

NM_004393.6(DAG1):c.212C>A (p.Thr71Lys)

Gene: DAG1 (dystroglycan 1; plus strand). Cytogenetic location: 3p21.31.
Variant type: single nucleotide variant.
Coding change: c.212C>A on transcript NM_004393.6 (MANE Select); coding-DNA position 212, C replaced by A.
Protein change: p.Thr71Lys; replaces threonine 71 with lysine.
Molecular consequence: missense variant.
Genome position (GRCh38, 1-based): chr3:49,510,746, C>A. VCF-style: chr3-49510746-C-A. GRCh37 (hg19) VCF-style: chr3-49548179-C-A.
Other names: c.212C>A, p.Thr71Lys (NM_001165928.4, NM_001177634.3, NM_001177635.3 and 9 more transcripts); short protein forms T71K.
Identifiers: ClinVar variation 576217 (VCV000576217.16), dbSNP rs142572135, ClinGen allele CA2398843.
Genomic context (GRCh38, chr3:49,510,746, plus strand): 5'-ACTCAGTGCTCTCAGACCTCCACGAGGCTGTTCCCACAGTGGTTGGCATTCCTGATGGCA[C>A]GGCTGTCGTCGGGCGCTCATTTCGAGTGACCATTCCAACAGATTTGATTGCCTCCAGTGG-3'
Protein context (NP_004384.5, residues 61-81): VPTVVGIPDG[Thr71Lys]AVVGRSFRVT

ClinVar aggregate classification (germline): Uncertain significance. Review status: criteria provided, multiple submitters, no conflicts (2 of 4 stars). 6 submissions from 6 submitters: Uncertain significance (6). Last evaluated 2025-12-09.

Conditions:
Autosomal recessive limb-girdle muscular dystrophy type 2P. Also called: Limb-Girdle Muscular Dystrophy Type 9C; MUSCULAR DYSTROPHY, LIMB-GIRDLE, TYPE 2P; MUSCULAR DYSTROPHY-DYSTROGLYCANOPATHY, LIMB-GIRDLE, DAG1-RELATED. Identifiers: Orphanet 280333, MedGen C4511963, MONDO:0013440, OMIM 613818.
Muscular dystrophy-dystroglycanopathy (congenital with brain and eye anomalies), type A9. Also called: Muscular dystrophy-dystroglycanopathy (congenital with brain and eye anomalies), type a, 9; WALKER-WARBURG SYNDROME OR MUSCLE-EYE BRAIN DISEASE, DAG1-RELATED. Identifiers: Orphanet 370997, Orphanet 899, MedGen C4225291, MONDO:0014683, OMIM 616538.
Inborn genetic diseases. Identifiers: MedGen C0950123, MeSH D030342.

Allele frequency attached by ClinVar (database versions not stated): 1000 Genomes Project 30x 0.00016; TOPMed 0.00015; 1000 Genomes Project 0.00020; ESP Exome Variant Server 0.00008.
gnomAD v4.1: 130 of 1,614,164 alleles (0.0081%); highest among the groups gnomAD compares: Non-Finnish European, 0.0099%; no homozygotes.

Submissions (6):

Ambry Genetics
Classification: Uncertain significance for Inborn genetic diseases. Last evaluated: 2025-12-09. Review status: criteria provided, single submitter. Criteria: Ambry Variant Classification Scheme 2023. Collection method: clinical testing. Allele origin: germline.

Revvity Omics, Revvity
Classification: Uncertain significance. Last evaluated: 2024-07-04. Review status: criteria provided, single submitter. Criteria: ACMG Guidelines, 2015. Collection method: clinical testing. Allele origin: germline.

Women's Health and Genetics/Laboratory Corporation of America, LabCorp
Classification: Uncertain significance. Last evaluated: 2024-04-16. Review status: criteria provided, single submitter. Criteria: LabCorp Variant Classification Summary - May 2015. Collection method: clinical testing. Allele origin: germline.
Comment: Variant summary: DAG1 c.212C>A (p.Thr71Lys) results in a non-conservative amino acid change located in the Dystroglycan-type cadherin-like (IPR006644) of the encoded protein sequence. Three of five in-silico tools predict a damaging effect of the variant on protein function. The variant allele was found at a frequency of 9.6e-05 in 251296 control chromosomes. To our knowledge, no occurrence of c.212C>A in individuals affected with DAG1-Related Disorders and no experimental evidence demonstrating its impact on protein function have been reported. ClinVar contains an entry for this variant (Variation ID: 576217). Based on the evidence outlined above, the variant was classified as uncertain significance.

Labcorp Genetics (formerly Invitae), Labcorp
Classification: Uncertain significance for Autosomal recessive limb-girdle muscular dystrophy type 2P; Muscular dystrophy-dystroglycanopathy (congenital with brain and eye anomalies), type A9. Last evaluated: 2022-10-17. Review status: criteria provided, single submitter. Criteria: Invitae Variant Classification Sherloc (09022015). Collection method: clinical testing. Allele origin: germline.
Comment: This sequence change replaces threonine, which is neutral and polar, with lysine, which is basic and polar, at codon 71 of the DAG1 protein (p.Thr71Lys). This variant is present in population databases (rs142572135, gnomAD 0.04%). This variant has not been reported in the literature in individuals affected with DAG1-related conditions. ClinVar contains an entry for this variant (Variation ID: 576217). Advanced modeling of protein sequence and biophysical properties (such as structural, functional, and spatial information, amino acid conservation, physicochemical variation, residue mobility, and thermodynamic stability) performed at Invitae indicates that this missense variant is not expected to disrupt DAG1 protein function. In summary, the available evidence is currently insufficient to determine the role of this variant in disease. Therefore, it has been classified as a Variant of Uncertain Significance.

Athena Diagnostics
Classification: Uncertain significance. Last evaluated: 2021-06-09. Review status: criteria provided, single submitter. Criteria: Athena Diagnostics Criteria. Collection method: clinical testing. Allele origin: unknown.

Eurofins Ntd Llc (ga)
Classification: Uncertain significance. Last evaluated: 2017-10-27. Review status: criteria provided, single submitter. Criteria: EGL Classification Definitions 2015. Collection method: clinical testing. Allele origin: germline. Observed: 2 variant alleles, 2 heterozygotes.